The following is an entry in ClinVar:

NM_007294.4(BRCA1):c.4919C>A (p.Thr1640Lys)

Gene: BRCA1 (BRCA1 DNA repair associated; minus strand). Cytogenetic location: 17q21.31.
Variant type: single nucleotide variant.
Coding change: c.4919C>A on transcript NM_007294.4 (MANE Select); coding-DNA position 4919, C replaced by A.
Protein change: p.Thr1640Lys; replaces threonine 1640 with lysine.
Molecular consequence: missense variant. On other transcripts: non-coding transcript variant (1).
Genome position (GRCh38, 1-based): chr17:43,070,995, G>T on the plus strand (C>A on the coding strand, the complement: BRCA1 is on the minus strand). VCF-style: chr17-43070995-G-T. GRCh37 (hg19) VCF-style: chr17-41223012-G-T.
Other names: c.4706C>A, p.Thr1569Lys (NM_001407571.1, NM_001407897.1, NM_001407898.1 and 12 more transcripts); c.4985C>A, p.Thr1662Lys (NM_001407581.1, NM_001407582.1); c.4982C>A, p.Thr1661Lys (NM_001407583.1, NM_001407585.1, NM_001407587.1 and 1 more transcripts); c.4979C>A, p.Thr1660Lys (NM_001407590.1, NM_001407591.1); c.4919C>A, p.Thr1640Lys (NM_001407593.1, NM_001407594.1, NM_001407596.1 and 8 more transcripts); c.4916C>A, p.Thr1639Lys (NM_001407610.1, NM_001407611.1, NM_001407612.1 and 17 more transcripts); c.4913C>A, p.Thr1638Lys (NM_001407627.1, NM_001407628.1, NM_001407629.1 and 14 more transcripts); c.4907C>A, p.Thr1636Lys (NM_001407646.1); and 70 more; short protein forms T1593K, T1661K, T1640K, T536K, T1486K, T1511K, T1550K, T1568K.
Identifiers: ClinVar variation 865682 (VCV000865682.3), dbSNP rs1036328075, ClinGen allele CA10591683.

Conditions:
Breast-ovarian cancer, familial, susceptibility to, 1 (BROVCA1). Also called: BRCA1 Hereditary Breast and Ovarian Cancer; OVARIAN CANCER, SUSCEPTIBILITY TO. Identifiers: Orphanet 145, MedGen C2676676, MONDO:0011450, OMIM 604370. Disease mechanism: loss of function.

Submission:

Brotman Baty Institute, University of Washington
No classification provided (evidence only). Condition: Breast-ovarian cancer, familial 1. Review status: no classification provided. Collection method: in vitro. Allele origin: not applicable. Functional consequence: functionally_normal.
ClinVar note: "not provided" was previously submitted as the classification for the variant. However, the classification appeared to be based only on an observation of functional data so it was converted to no classification on 2025-07-30.